The following is an entry in ClinVar:

ClinVar aggregate classification (germline): Uncertain significance. Review status: criteria provided, multiple submitters, no conflicts (2 of 4 stars). 2 submissions from 2 submitters: Uncertain significance (2). Last evaluated 2024-10-29.

Allele frequency attached by ClinVar (database versions not stated): gnomAD exomes 0.00002; ExAC 0.00010; 1000 Genomes Project 30x 0.00016; 1000 Genomes Project 0.00020; gnomAD 0.00029; TOPMed 0.00034; ESP Exome Variant Server 0.00054.

Submissions (2):

Labcorp Genetics (formerly Invitae), Labcorp
Classification: Uncertain significance. Last evaluated: 2024-10-29. Review status: criteria provided, single submitter. Criteria: Invitae Variant Classification Sherloc (09022015). Collection method: clinical testing. Allele origin: germline.
Comment: This sequence change replaces glutamine, which is neutral and polar, with histidine, which is basic and polar, at codon 342 of the KLF1 protein (p.Gln342His). This variant is present in population databases (rs146658904, gnomAD 0.09%). This variant has not been reported in the literature in individuals affected with KLF1-related conditions. ClinVar contains an entry for this variant (Variation ID: 2182938). Invitae Evidence Modeling of protein sequence and biophysical properties (such as structural, functional, and spatial information, amino acid conservation, physicochemical variation, residue mobility, and thermodynamic stability) indicates that this missense variant is not expected to disrupt KLF1 protein function with a negative predictive value of 80%. In summary, the available evidence is currently insufficient to determine the role of this variant in disease. Therefore, it has been classified as a Variant of Uncertain Significance.

Mayo Clinic Laboratories, Mayo Clinic
Classification: Uncertain significance. Last evaluated: 2023-01-24. Review status: criteria provided, single submitter. Criteria: ACMG Guidelines, 2015. Collection method: clinical testing. Allele origin: germline. Observed: 1 variant allele.

NM_006563.5(KLF1):c.1026G>C (p.Gln342His)

Genes: KLF1 (KLF transcription factor 1; minus strand), LOC117125591 (CRISPRi-FlowFISH-validated PRDX2 and RAD23A regulatory element; plus strand). Cytogenetic location: 19p13.13.
Variant type: single nucleotide variant.
Coding change: c.1026G>C on transcript NM_006563.5 (MANE Select); coding-DNA position 1026, G replaced by C.
Protein change: p.Gln342His; replaces glutamine 342 with histidine.
Molecular consequence: missense variant.
Genome position (GRCh38, 1-based): chr19:12,884,948, C>G on the plus strand (G>C on the coding strand, the complement: KLF1 is on the minus strand). VCF-style: chr19-12884948-C-G. GRCh37 (hg19) VCF-style: chr19-12995762-C-G.
Other names: p.Gln342His; c.1026G>C (NM_006563.3); short protein forms Q342H.
Identifiers: ClinVar variation 2182938 (VCV002182938.5), dbSNP rs146658904, ClinGen allele CA9233942.
Genomic context (GRCh38, chr19:12,884,948, plus strand): 5'-AAGGTGGCGCTTCATGTGCAAGGCCAGGTGGTCAGAGCGCGAAAAAGCACGTGGGCAGAG[C>G]TGGCAGCGGAAGGGGCGCTGCCCCGTGTGTTTCCGGTAGTGGCGGGTCAGCTCGTCCGAG-3'
Protein context (NP_006554.1, residues 332-352): KHTGQRPFRC[Gln342His]LCPRAFSRSD